The following is an entry in ClinVar:

NM_003611.3(OFD1):c.1025A>G (p.Tyr342Cys)

Gene: OFD1 (OFD1 centriole and centriolar satellite protein; plus strand). Cytogenetic location: Xp22.2.
Variant type: single nucleotide variant.
Coding change: c.1025A>G on transcript NM_003611.3 (MANE Select); coding-DNA position 1025, A replaced by G.
Protein change: p.Tyr342Cys; replaces tyrosine 342 with cysteine.
Molecular consequence: missense variant. On other transcripts: intron variant (1).
Genome position (GRCh38, 1-based): chrX:13,751,338, A>G. VCF-style: chrX-13751338-A-G. GRCh37 (hg19) VCF-style: chrX-13769457-A-G.
Other names: c.605A>G, p.Tyr202Cys (NM_001330210.2); c.935+1805A>G (NM_001330209.2); short protein forms Y202C, Y342C.
Identifiers: ClinVar variation 1379374 (VCV001379374.9), dbSNP rs758712291, ClinGen allele CA326116857.

ClinVar aggregate classification (germline): Uncertain significance. Review status: criteria provided, multiple submitters, no conflicts (2 of 4 stars). 2 submissions from 2 submitters: Uncertain significance (2). Last evaluated 2025-11-19.

Conditions:
Joubert syndrome. Also called: CEREBELLOPARENCHYMAL DISORDER IV; JOUBERT-BOLTSHAUSER SYNDROME; Familial aplasia of the vermis. Identifiers: Orphanet 475, MedGen C5979921, MONDO:0018772.
Orofaciodigital syndrome I (OFD1). Also called: OFDS I; Papillon-Leage and Psaume Syndrome; Oral-Facial-Digital Syndrome Type I. Identifiers: Orphanet 2750, MedGen C1510460, MONDO:0010702, OMIM 311200.
Simpson-Golabi-Behmel syndrome type 2. Identifiers: Orphanet 79022, MedGen C1846175, MONDO:0010265, OMIM 300209.
Joubert syndrome 10 (JBTS10). Identifiers: Orphanet 2754, MedGen C2749019, MONDO:0010431, OMIM 300804.
Retinitis pigmentosa 23 (RP23). Identifiers: Orphanet 791, MedGen C1419610, MONDO:0010320, OMIM 300424.

Allele frequency attached by ClinVar (database versions not stated): TOPMed 0.00002; gnomAD 0.00001 and 0.00002; gnomAD exomes 0.00001.
gnomAD v4.1: 14 of 1,201,569 alleles (0.0012%); highest among the groups gnomAD compares: East Asian, 0.003%; no homozygotes.

Submissions (2):

Labcorp Genetics (formerly Invitae), Labcorp
Classification: Uncertain significance for Orofaciodigital syndrome I; Joubert syndrome. Last evaluated: 2025-11-19. Review status: criteria provided, single submitter. Criteria: Invitae Variant Classification Sherloc (09022015). Collection method: clinical testing. Allele origin: germline.
Comment: This sequence change replaces tyrosine, which is neutral and polar, with cysteine, which is neutral and slightly polar, at codon 342 of the OFD1 protein (p.Tyr342Cys). This variant is not present in population databases (gnomAD no frequency). This variant has not been reported in the literature in individuals affected with OFD1-related conditions. ClinVar contains an entry for this variant (Variation ID: 1379374). Invitae Evidence Modeling of protein sequence and biophysical properties (such as structural, functional, and spatial information, amino acid conservation, physicochemical variation, residue mobility, and thermodynamic stability) has been performed for this missense variant. However, the output from this modeling did not meet the statistical confidence thresholds required to predict the impact of this variant on OFD1 protein function. In summary, the available evidence is currently insufficient to determine the role of this variant in disease. Therefore, it has been classified as a Variant of Uncertain Significance.

Fulgent Genetics
Classification: Uncertain significance for Simpson-Golabi-Behmel syndrome type 2; Retinitis pigmentosa 23; Joubert syndrome 10; Orofaciodigital syndrome I. Last evaluated: 2022-01-26. Review status: criteria provided, single submitter. Criteria: ACMG Guidelines, 2015. Collection method: clinical testing. Allele origin: unknown.